The following is an entry in ClinVar:

ClinVar aggregate classification (germline): Uncertain significance. Review status: criteria provided, multiple submitters, no conflicts (2 of 4 stars). 2 submissions from 2 submitters: Uncertain significance (2). Last evaluated 2026-07-07.

Conditions:
Hereditary cancer-predisposing syndrome. Also called: Hereditary Cancer Syndrome; Neoplastic Syndromes, Hereditary; Hereditary neoplastic syndrome; Tumor predisposition. Identifiers: Orphanet 140162, MedGen C0027672, MeSH D009386, MONDO:0015356.
Gorlin syndrome. Also called: Nevoid Basal Cell Carcinoma Syndrome; Basal cell nevus syndrome. Identifiers: Orphanet 377, MedGen C0004779, MONDO:0007187.

Submissions (2):

Ambry Genetics
Classification: Uncertain significance for Hereditary cancer-predisposing syndrome. Last evaluated: 2026-07-07. Review status: criteria provided, single submitter. Criteria: Ambry Variant Classification Scheme 2023. Collection method: clinical testing. Allele origin: germline.
Comment: The p.L157P variant (also known as c.470T>C), located in coding exon 3 of the PTCH1 gene, results from a T to C substitution at nucleotide position 470. The leucine at codon 157 is replaced by proline, an amino acid with similar properties. This amino acid position is highly conserved in available vertebrate species. In addition, this alteration is predicted to be deleterious by in silico analysis. Based on the available evidence, the clinical significance of this variant remains unclear.

Labcorp Genetics (formerly Invitae), Labcorp
Classification: Uncertain significance for Gorlin syndrome. Last evaluated: 2022-11-25. Review status: criteria provided, single submitter. Criteria: Invitae Variant Classification Sherloc (09022015). Collection method: clinical testing. Allele origin: germline.
Comment: This sequence change replaces leucine, which is neutral and non-polar, with proline, which is neutral and non-polar, at codon 157 of the PTCH1 protein (p.Leu157Pro). This variant is not present in population databases (gnomAD no frequency). This variant has not been reported in the literature in individuals affected with PTCH1-related conditions. ClinVar contains an entry for this variant (Variation ID: 1401514). Algorithms developed to predict the effect of missense changes on protein structure and function (SIFT, PolyPhen-2, Align-GVGD) all suggest that this variant is likely to be disruptive. In summary, the available evidence is currently insufficient to determine the role of this variant in disease. Therefore, it has been classified as a Variant of Uncertain Significance.

NM_000264.5(PTCH1):c.470T>C (p.Leu157Pro)

Gene: PTCH1 (patched 1; minus strand). Cytogenetic location: 9q22.32.
Variant type: single nucleotide variant.
Coding change: c.470T>C on transcript NM_000264.5 (MANE Select); coding-DNA position 470, T replaced by C.
Protein change: p.Leu157Pro; replaces leucine 157 with proline.
Molecular consequence: missense variant. On other transcripts: non-coding transcript variant (1).
Genome position (GRCh38, 1-based): chr9:95,485,799, A>G on the plus strand (T>C on the coding strand, the complement: PTCH1 is on the minus strand). VCF-style: chr9-95485799-A-G. GRCh37 (hg19) VCF-style: chr9-98248081-A-G.
Other names: c.17T>C, p.Leu6Pro (NM_001083607.3, NM_001083604.3, NM_001083605.3 and 1 more transcripts); c.470T>C, p.Leu157Pro (NM_001354918.2); c.272T>C, p.Leu91Pro (NM_001354919.2, NM_001083602.3); c.467T>C, p.Leu156Pro (NM_001083603.3); short protein forms L6P, L157P, L156P, L91P.
Identifiers: ClinVar variation 1401514 (VCV001401514.9), dbSNP rs2118545890, ClinGen allele CA374117044.